The following is an entry in ClinVar:

NM_016628.5(WAC):c.274+12181GA[2]

Gene: WAC (WW domain containing adaptor with coiled-coil; plus strand). Cytogenetic location: 10p12.1.
Variant type: Microsatellite.
Coding change: c.274+12181GA[2] on transcript NM_016628.5 (MANE Select); two copies in a row of the 2-base unit GA starting at c.274+12181.
Molecular consequence: intron variant.
Genome position: GRCh38 VCF-style: chr10-28547937-TGAGA-T. GRCh37 (hg19) VCF-style: chr10-28836866-TGAGA-T.
Other names: c.139+12181GA[2] (NM_100264.3); c.274+12181GA[2] (NM_100486.4).
Identifiers: ClinVar variation 3772029 (VCV003772029.13).
Genomic context (GRCh38, chr10:28,547,937, plus strand): 5'-TAATTTTTTAATTACATTTTAATTTTCTTTCTCTTTTTCTTTTTTTTTTTTTTTCTTCTT[TGAGA>T]GAGAGTTTCGCTCTTGTTGCTGAACCTGGAGTGTAGTGGCGCAATCTTGGCTCACTGCAA-3'

ClinVar aggregate classification (germline): Likely benign (1 of 4 stars; one submission).

Submission:

CeGaT Center for Human Genetics Tuebingen
Classification: Likely benign. Last evaluated: 2025-12-01. Review status: criteria provided, single submitter. Criteria: CeGaT Center For Human Genetics Tuebingen Variant Classification Criteria Version 2. Collection method: clinical testing. Allele origin: germline. Affected: yes. Observed: 2 variant alleles.
Comment: WAC: BS2